The following is an entry in ClinVar:

NM_057175.5(NAA15):c.466A>G (p.Ile156Val)

Gene: NAA15 (N-alpha-acetyltransferase 15, NatA auxiliary subunit; plus strand). Cytogenetic location: 4q31.1.
Variant type: single nucleotide variant.
Coding change: c.466A>G on transcript NM_057175.5 (MANE Select); coding-DNA position 466, A replaced by G.
Protein change: p.Ile156Val; replaces isoleucine 156 with valine.
Molecular consequence: missense variant.
Genome position (GRCh38, 1-based): chr4:139,342,889, A>G. VCF-style: chr4-139342889-A-G. GRCh37 (hg19) VCF-style: chr4-140264043-A-G.
Other names: c.466A>G, p.Ile156Val (NM_001410842.1); short protein forms I156V.
Identifiers: ClinVar variation 3622578 (VCV003622578.2).

ClinVar aggregate classification (germline): Uncertain significance (1 of 4 stars; one submission).

Submission:

Labcorp Genetics (formerly Invitae), Labcorp
Classification: Uncertain significance. Last evaluated: 2024-09-14. Review status: criteria provided, single submitter. Criteria: Invitae Variant Classification Sherloc (09022015). Collection method: clinical testing. Allele origin: germline.
Comment: This sequence change replaces isoleucine, which is neutral and non-polar, with valine, which is neutral and non-polar, at codon 156 of the NAA15 protein (p.Ile156Val). This variant is not present in population databases (gnomAD no frequency). This variant has not been reported in the literature in individuals affected with NAA15-related conditions. An algorithm developed to predict the effect of missense changes on protein structure and function (PolyPhen-2) suggests that this variant is likely to be tolerated. In summary, the available evidence is currently insufficient to determine the role of this variant in disease. Therefore, it has been classified as a Variant of Uncertain Significance.